The following is an entry in ClinVar:

ClinVar aggregate classification (germline): Uncertain significance. Review status: criteria provided, multiple submitters, no conflicts (2 of 4 stars). 4 submissions from 4 submitters: Uncertain significance (3). 1 of the submissions does not count toward it. Last evaluated 2022-08-11.

Conditions:
PIGL-related disorder. Also called: PIGL-related condition.
CHIME syndrome (CHIME). Also called: COLOBOMA, CONGENITAL HEART DISEASE, ICHTHYOSIFORM DERMATOSIS, IMPAIRED INTELLECTUAL DEVELOPMENT, AND EAR ANOMALIES SYNDROME; GLYCOSYLPHOSPHATIDYLINOSITOL BIOSYNTHESIS DEFECT 5. Identifiers: Orphanet 3474, MedGen C1848392, MONDO:0010221, OMIM 280000.

Allele frequency attached by ClinVar (database versions not stated): gnomAD exomes 0.00002 and 0.00004; ExAC 0.00003; gnomAD 0.00013 and 0.00014; TOPMed 0.00016; 1000 Genomes Project 30x 0.00031; 1000 Genomes Project 0.00040.
gnomAD v4.1: 51 of 1,611,062 alleles (0.0032%); highest among the groups gnomAD compares: African/African-American, 0.059%; no homozygotes.

Submissions (5):

Labcorp Genetics (formerly Invitae), Labcorp
Classification: Uncertain significance. Last evaluated: 2022-08-11. Review status: criteria provided, single submitter. Criteria: Invitae Variant Classification Sherloc (09022015). Collection method: clinical testing. Allele origin: germline.
Comment: In summary, the available evidence is currently insufficient to determine the role of this variant in disease. Therefore, it has been classified as a Variant of Uncertain Significance. Algorithms developed to predict the effect of sequence changes on RNA splicing suggest that this variant may disrupt the consensus splice site. ClinVar contains an entry for this variant (Variation ID: 159710). This variant has not been reported in the literature in individuals affected with PIGL-related conditions. This variant is present in population databases (rs184077858, gnomAD 0.04%). This sequence change affects codon 165 of the PIGL mRNA. It is a 'silent' change, meaning that it does not change the encoded amino acid sequence of the PIGL protein. It affects a nucleotide within the consensus splice site.

Genetic Services Laboratory, University of Chicago
Classification: Uncertain significance for CHIME syndrome. Last evaluated: 2014-04-02. Review status: criteria provided, single submitter. Criteria: ACMG Guidelines, 2007. Collection method: clinical testing. Allele origin: germline. Inheritance: Autosomal recessive inheritance.

Breakthrough Genomics
Classification: Uncertain significance. Review status: criteria provided, single submitter. Criteria: ACMG Guidelines, 2015. Collection method: not provided. Allele origin: germline. Inheritance: Autosomal recessive inheritance. Affected: yes.

PreventionGenetics, part of Exact Sciences
Classification: Likely benign for PIGL-related condition. Last evaluated: 2021-09-03. Review status: no assertion criteria provided. Collection method: clinical testing. Allele origin: germline. Not counted in ClinVar's aggregate classification.
Comment: This variant is classified as likely benign based on ACMG/AMP sequence variant interpretation guidelines (Richards et al. 2015 PMID: 25741868, with internal and published modifications).

Dr. Peter K. Rogan Lab, Western University
No classification provided (evidence only). Condition: Familial cancer of breast. Review status: no classification provided. Collection method: in vitro. Allele origin: not applicable. Functional consequence: retained intron. Not counted in ClinVar's aggregate classification.

NM_004278.4(PIGL):c.493A>C (p.Arg165=)

Gene: PIGL (phosphatidylinositol glycan anchor biosynthesis class L; plus strand). Cytogenetic location: 17p11.2.
Variant type: single nucleotide variant.
Coding change: c.493A>C on transcript NM_004278.4 (MANE Select); coding-DNA position 493, A replaced by C.
Protein change: p.Arg165=; no amino-acid change (arginine 165 retained).
Molecular consequence: synonymous variant.
Genome position (GRCh38, 1-based): chr17:16,313,613, A>C. VCF-style: chr17-16313613-A-C. GRCh37 (hg19) VCF-style: chr17-16216927-A-C.
Identifiers: ClinVar variation 159710 (VCV000159710.12), dbSNP rs184077858, ClinGen allele CA173166.